The following is an entry in ClinVar:

ClinVar aggregate classification (germline): Uncertain significance (1 of 4 stars; one submission).

Conditions:
Neu-Laxova syndrome 2. Identifiers: Orphanet 2671, Orphanet 583602, MedGen C4015019, MONDO:0014466, OMIM 616038.

gnomAD v4.1: 1 of 1,614,070 alleles (0.000062%); no homozygotes.

Submission:

Labcorp Genetics (formerly Invitae), Labcorp
Classification: Uncertain significance for Neu-Laxova syndrome 2. Last evaluated: 2022-07-27. Review status: criteria provided, single submitter. Criteria: Invitae Variant Classification Sherloc (09022015). Collection method: clinical testing. Allele origin: germline.
Comment: In summary, the available evidence is currently insufficient to determine the role of this variant in disease. Therefore, it has been classified as a Variant of Uncertain Significance. Algorithms developed to predict the effect of missense changes on protein structure and function are either unavailable or do not agree on the potential impact of this missense change (SIFT: "Deleterious"; PolyPhen-2: "Benign"; Align-GVGD: "Class C0"). This variant has not been reported in the literature in individuals affected with PSAT1-related conditions. This variant is not present in population databases (gnomAD no frequency). This sequence change replaces valine, which is neutral and non-polar, with phenylalanine, which is neutral and non-polar, at codon 227 of the PSAT1 protein (p.Val227Phe).

NM_058179.4(PSAT1):c.679G>T (p.Val227Phe)

Gene: PSAT1 (phosphoserine aminotransferase 1; plus strand). Cytogenetic location: 9q21.2.
Variant type: single nucleotide variant.
Coding change: c.679G>T on transcript NM_058179.4 (MANE Select); coding-DNA position 679, G replaced by T.
Protein change: p.Val227Phe; replaces valine 227 with phenylalanine.
Molecular consequence: missense variant.
Genome position (GRCh38, 1-based): chr9:78,308,522, G>T. VCF-style: chr9-78308522-G-T. GRCh37 (hg19) VCF-style: chr9-80923438-G-T.
Other names: c.679G>T, p.Val227Phe (NM_021154.5); short protein forms V227F.
Identifiers: ClinVar variation 1713959 (VCV001713959.5), dbSNP rs1366156594, ClinGen allele CA373874294.